The following is an entry in ClinVar:

NM_005853.6(IRX5):c.1312C>T (p.His438Tyr)

Gene: IRX5 (iroquois homeobox 5; plus strand). Cytogenetic location: 16q12.2.
Variant type: single nucleotide variant.
Coding change: c.1312C>T on transcript NM_005853.6 (MANE Select); coding-DNA position 1312, C replaced by T.
Protein change: p.His438Tyr; replaces histidine 438 with tyrosine.
Molecular consequence: missense variant.
Genome position (GRCh38, 1-based): chr16:54,933,733, C>T. VCF-style: chr16-54933733-C-T. GRCh37 (hg19) VCF-style: chr16-54967645-C-T.
Other names: c.1309C>T, p.His437Tyr (NM_001252197.1); short protein forms H437Y, H438Y.
Identifiers: ClinVar variation 2010672 (VCV002010672.4), dbSNP rs2506988036, ClinGen allele CA396127228.

ClinVar aggregate classification (germline): Uncertain significance (1 of 4 stars; one submission).

Submission:

Labcorp Genetics (formerly Invitae), Labcorp
Classification: Uncertain significance. Last evaluated: 2022-10-17. Review status: criteria provided, single submitter. Criteria: Invitae Variant Classification Sherloc (09022015). Collection method: clinical testing. Allele origin: germline.
Comment: In summary, the available evidence is currently insufficient to determine the role of this variant in disease. Therefore, it has been classified as a Variant of Uncertain Significance. Algorithms developed to predict the effect of missense changes on protein structure and function are either unavailable or do not agree on the potential impact of this missense change (SIFT: "Deleterious"; PolyPhen-2: "Not Available"; Align-GVGD: "Class C0"). This variant has not been reported in the literature in individuals affected with IRX5-related conditions. This variant is not present in population databases (gnomAD no frequency). This sequence change replaces histidine, which is basic and polar, with tyrosine, which is neutral and polar, at codon 438 of the IRX5 protein (p.His438Tyr).